The following is an entry in ClinVar:

ClinVar aggregate classification (germline): Benign. Review status: criteria provided, multiple submitters, no conflicts (2 of 4 stars). 2 submissions from 2 submitters: Benign (2). Last evaluated 2018-01-13.

Conditions:
Rotor syndrome (HBLRR). Also called: HYPERBILIRUBINEMIA, ROTOR TYPE, DIGENIC; HYPERBILIRUBINEMIA, ROTOR TYPE. Identifiers: Orphanet 3111, MedGen C0220991, MONDO:0009379, OMIM 237450.

Allele frequency attached by ClinVar (database versions not stated): gnomAD exomes 0.60000; gnomAD 0.65420 and 0.66096; TOPMed 0.65787; 1000 Genomes Project 30x 0.69254; 1000 Genomes Project 0.69708.
gnomAD v4.1: 100,436 of 152,032 alleles (66%); highest among the groups gnomAD compares: East Asian, 82%; 33,520 homozygotes.

Submissions (2):

Illumina Laboratory Services, Illumina
Classification: Benign for Rotor syndrome. Last evaluated: 2018-01-13. Review status: criteria provided, single submitter. Criteria: ICSL Variant Classification Criteria 13 December 2019. Collection method: clinical testing. Allele origin: germline.
Comment: This variant was observed in the ICSL laboratory as part of a predisposition screen in an ostensibly healthy population. It had not been previously curated by ICSL or reported in the Human Gene Mutation Database (HGMD: prior to June 1st, 2018), and was therefore a candidate for classification through an automated scoring system. Utilizing variant allele frequency, disease prevalence and penetrance estimates, and inheritance mode, an automated score was calculated to assess if this variant is too frequent to cause the disease. Based on the score and internal cut-off values, a variant classified as benign is not then subjected to further curation. The score for this variant resulted in a classification of benign for this disease.

Breakthrough Genomics
Classification: Benign. Review status: criteria provided, single submitter. Criteria: ACMG Guidelines, 2015. Collection method: not provided. Allele origin: germline. Inheritance: Autosomal recessive inheritance. Affected: yes.

NM_019844.4(SLCO1B3):c.-90C>T

Gene: SLCO1B3 (solute carrier organic anion transporter family member 1B3; plus strand). Cytogenetic location: 12p12.2.
Variant type: single nucleotide variant.
Coding change: c.-90C>T on transcript NM_019844.4 (MANE Select); 90 bases upstream of the start codon, C replaced by T.
Molecular consequence: 5 prime UTR variant.
Genome position (GRCh38, 1-based): chr12:20,813,614, C>T. VCF-style: chr12-20813614-C-T. GRCh37 (hg19) VCF-style: chr12-20966548-C-T.
Identifiers: ClinVar variation 307884 (VCV000307884.6), dbSNP rs7305323, ClinGen allele CA10632369.
Genomic context (GRCh38, chr12:20,813,614, plus strand): 5'-TAAATGGACTTCAAGCATAGCCCTGAAGTGTTGTCCCGTTGTTCCCACCTCCTAGAGGGC[C>T]TGACAGAAGAGGTACATATGCTATGTAAGTTTCCCTCAGGCATGAACTACAGTGCTATTG-3'